The following is an entry in ClinVar:

NM_000238.4(KCNH2):c.184C>A (p.Arg62=)

Gene: KCNH2 (potassium voltage-gated channel subfamily H member 2; minus strand). Cytogenetic location: 7q36.1.
Variant type: single nucleotide variant.
Coding change: c.184C>A on transcript NM_000238.4 (MANE Select); coding-DNA position 184, C replaced by A.
Protein change: p.Arg62=; no amino-acid change (arginine 62 retained).
Molecular consequence: synonymous variant. On other transcripts: non-coding transcript variant (1).
Genome position (GRCh38, 1-based): chr7:150,974,834, G>T on the plus strand (C>A on the coding strand, the complement: KCNH2 is on the minus strand). VCF-style: chr7-150974834-G-T. GRCh37 (hg19) VCF-style: chr7-150671922-G-T.
Other names: c.7C>A, p.Arg3= (NM_001406755.1); c.184C>A, p.Arg62= (NM_172056.3).
Identifiers: ClinVar variation 1332269 (VCV001332269.14), dbSNP rs1218798860, ClinGen allele CA458872223.

ClinVar aggregate classification (germline): Likely benign. Review status: criteria provided, multiple submitters, no conflicts (2 of 4 stars). 3 submissions from 3 submitters: Likely benign (3). Last evaluated 2025-02-25.

Conditions:
Long QT syndrome (LQTS). Identifiers: MedGen C0023976, MeSH D008133, MONDO:0002442. Disease mechanism: loss of function. Inheritance: Various modes of inheritance.
Cardiac arrhythmia. Also called: Cardiac rhythm disease; Arrhythmia. Identifiers: MedGen C0003811, MONDO:0007263, HP:0011675.

Allele frequency attached by ClinVar (database versions not stated): gnomAD exomes below 0.00001; TOPMed below 0.00001.
gnomAD v4.1: 2 of 1,608,384 alleles (0.00012%); highest among the groups gnomAD compares: Non-Finnish European, 0.000085%; no homozygotes.

Submissions (3):

Labcorp Genetics (formerly Invitae), Labcorp
Classification: Likely benign for Long QT syndrome. Last evaluated: 2025-02-25. Review status: criteria provided, single submitter. Criteria: Invitae Variant Classification Sherloc (09022015). Collection method: clinical testing. Allele origin: germline.

All of Us Research Program, National Institutes of Health
Classification: Likely benign for Long QT syndrome. Last evaluated: 2024-08-06. Review status: criteria provided, single submitter. Criteria: ACMG Guidelines, 2015. Collection method: clinical testing. Allele origin: germline. Inheritance: Autosomal dominant inheritance. Observed: 3 variant alleles, 3 heterozygotes.
Comment: This study involves interpretation of variants in research participants for the purpose of population health screening. Participant phenotype was not available at the time of variant classification. Additional details can be found in publication PMID: 35346344, PMCID: PMC8962531

Color Diagnostics, LLC DBA Color Health
Classification: Likely benign for Cardiac arrhythmia. Last evaluated: 2021-04-29. Review status: criteria provided, single submitter. Criteria: ACMG Guidelines, 2015. Collection method: clinical testing. Allele origin: germline.